The following is an entry in ClinVar:

ClinVar aggregate classification (germline): Uncertain significance (1 of 4 stars; one submission).

Allele frequency attached by ClinVar (database versions not stated): ExAC 0.00006; TOPMed below 0.00001; gnomAD 0.00001; gnomAD exomes 0.00002.

Submission:

Labcorp Genetics (formerly Invitae), Labcorp
Classification: Uncertain significance. Last evaluated: 2025-07-09. Review status: criteria provided, single submitter. Criteria: Invitae Variant Classification Sherloc (09022015). Collection method: clinical testing. Allele origin: germline.
Comment: This sequence change replaces arginine, which is basic and polar, with tryptophan, which is neutral and slightly polar, at codon 241 of the FGFRL1 protein (p.Arg241Trp). This variant is present in population databases (rs768269824, gnomAD 0.04%). This variant has not been reported in the literature in individuals affected with FGFRL1-related conditions. ClinVar contains an entry for this variant (Variation ID: 2962248). An algorithm developed to predict the effect of missense changes on protein structure and function (PolyPhen-2) suggests that this variant is likely to be disruptive. In summary, the available evidence is currently insufficient to determine the role of this variant in disease. Therefore, it has been classified as a Variant of Uncertain Significance.

NM_001004356.3(FGFRL1):c.721C>T (p.Arg241Trp)

Gene: FGFRL1 (fibroblast growth factor receptor like 1; plus strand). Cytogenetic location: 4p16.3.
Variant type: single nucleotide variant.
Coding change: c.721C>T on transcript NM_001004356.3 (MANE Select); coding-DNA position 721, C replaced by T.
Protein change: p.Arg241Trp; replaces arginine 241 with tryptophan.
Molecular consequence: missense variant.
Genome position (GRCh38, 1-based): chr4:1,024,313, C>T. VCF-style: chr4-1024313-C-T. GRCh37 (hg19) VCF-style: chr4-1018101-C-T.
Other names: c.721C>T, p.Arg241Trp (NM_001004358.1, NM_001370296.1, NM_021923.3); short protein forms R241W.
Identifiers: ClinVar variation 2962248 (VCV002962248.3), dbSNP rs768269824, ClinGen allele CA2802842.